The following is an entry in ClinVar:

NM_002474.3(MYH11):c.2362G>A (p.Asp788Asn)

Gene: MYH11 (myosin heavy chain 11; minus strand). Cytogenetic location: 16p13.11.
Variant type: single nucleotide variant.
Coding change: c.2362G>A on transcript NM_002474.3 (MANE Select); coding-DNA position 2362, G replaced by A.
Protein change: p.Asp788Asn; replaces aspartic acid 788 with asparagine.
Molecular consequence: missense variant.
Genome position (GRCh38, 1-based): chr16:15,747,619, C>T on the plus strand (G>A on the coding strand, the complement: MYH11 is on the minus strand). VCF-style: chr16-15747619-C-T. GRCh37 (hg19) VCF-style: chr16-15841476-C-T.
Other names: c.2383G>A, p.Asp795Asn (NM_001040113.2, NM_001040114.2); c.2362G>A, p.Asp788Asn (NM_022844.3); short protein forms D795N, D788N.
Identifiers: ClinVar variation 923342 (VCV000923342.7), dbSNP rs768858261, ClinGen allele CA7922307.

ClinVar aggregate classification (germline): Uncertain significance. Review status: criteria provided, multiple submitters, no conflicts (2 of 4 stars). 2 submissions from 2 submitters: Uncertain significance (2). Last evaluated 2023-07-27.

Conditions:
Familial thoracic aortic aneurysm and aortic dissection (TAAD). Also called: Thoracic aortic aneurysms and dissections. Identifiers: Orphanet 91387, MedGen C4707243, MONDO:0019625.
Aortic aneurysm, familial thoracic 4 (AAT4). Also called: AORTIC ANEURYSM/AORTIC DISSECTION AND PATENT DUCTUS ARTERIOSUS. Identifiers: MedGen C1851504, MONDO:0007568, OMIM 132900.

gnomAD v4.1: 4 of 1,614,080 alleles (0.00025%); highest among the groups gnomAD compares: South Asian, 0.0011%; no homozygotes.

Submissions (2):

Color Diagnostics, LLC DBA Color Health
Classification: Uncertain significance for Familial thoracic aortic aneurysm and aortic dissection. Last evaluated: 2023-07-27. Review status: criteria provided, single submitter. Criteria: ACMG Guidelines, 2015. Collection method: clinical testing. Allele origin: germline.
Comment: This missense variant replaces aspartic acid with asparagine at codon 795 of the MYH11 protein. Computational prediction suggests that this variant may not impact protein structure and function (internally defined REVEL score threshold <= 0.5, PMID: 27666373). To our knowledge, functional studies have not been reported for this variant. This variant has been reported in two related individuals affected with dilated cardiomyopathy (PMID: 37298070). This variant has been identified in 1/251492 chromosomes in the general population by the Genome Aggregation Database (gnomAD). The available evidence is insufficient to determine the role of this variant in disease conclusively. Therefore, this variant is classified as a Variant of Uncertain Significance.

Labcorp Genetics (formerly Invitae), Labcorp
Classification: Uncertain significance for Aortic aneurysm, familial thoracic 4. Last evaluated: 2023-01-24. Review status: criteria provided, single submitter. Criteria: Invitae Variant Classification Sherloc (09022015). Collection method: clinical testing. Allele origin: germline.
Comment: This sequence change replaces aspartic acid, which is acidic and polar, with asparagine, which is neutral and polar, at codon 795 of the MYH11 protein (p.Asp795Asn). This variant is present in population databases (rs768858261, gnomAD 0.0009%). In summary, the available evidence is currently insufficient to determine the role of this variant in disease. Therefore, it has been classified as a Variant of Uncertain Significance. Advanced modeling of protein sequence and biophysical properties (such as structural, functional, and spatial information, amino acid conservation, physicochemical variation, residue mobility, and thermodynamic stability) performed at Invitae indicates that this missense variant is not expected to disrupt MYH11 protein function. ClinVar contains an entry for this variant (Variation ID: 923342). This variant has not been reported in the literature in individuals affected with MYH11-related conditions.

Literature cited by the submitters: PubMed 37298070 (cited by Color Diagnostics, LLC DBA Color Health).